The following is an entry in ClinVar:

ClinVar aggregate classification (germline): Benign. Review status: criteria provided, multiple submitters, no conflicts (2 of 4 stars). 3 submissions from 3 submitters: Benign (3). Last evaluated 2026-01-29.

Conditions:
Familial hypoparathyroidism. Also called: Familial isolated hypoparathyroidism. Identifiers: Orphanet 2238, MedGen C1832648, MONDO:0016390.

Allele frequency attached by ClinVar (database versions not stated): gnomAD exomes 0.00135 and 0.00335; ExAC 0.00423; gnomAD 0.01409 and 0.01524; 1000 Genomes Project 0.01518; TOPMed 0.01652; ESP Exome Variant Server 0.01678; 1000 Genomes Project 30x 0.01702.

Submissions (3):

Labcorp Genetics (formerly Invitae), Labcorp
Classification: Benign. Last evaluated: 2026-01-29. Review status: criteria provided, single submitter. Criteria: Invitae Variant Classification Sherloc (09022015). Collection method: clinical testing. Allele origin: germline.

Illumina Laboratory Services, Illumina
Classification: Benign for Hypoparathyroidism, familial isolated 1. Last evaluated: 2018-01-13. Review status: criteria provided, single submitter. Criteria: ICSL Variant Classification Criteria 13 December 2019. Collection method: clinical testing. Allele origin: germline.
Comment: This variant was observed in the ICSL laboratory as part of a predisposition screen in an ostensibly healthy population. It had not been previously curated by ICSL or reported in the Human Gene Mutation Database (HGMD: prior to June 1st, 2018), and was therefore a candidate for classification through an automated scoring system. Utilizing variant allele frequency, disease prevalence and penetrance estimates, and inheritance mode, an automated score was calculated to assess if this variant is too frequent to cause the disease. Based on the score and internal cut-off values, a variant classified as benign is not then subjected to further curation. The score for this variant resulted in a classification of benign for this disease.

Breakthrough Genomics
Classification: Benign. Review status: criteria provided, single submitter. Criteria: ACMG Guidelines, 2015. Collection method: not provided. Allele origin: germline. Inheritance: Autosomal dominant inheritance. Affected: yes.

NM_000315.4(PTH):c.86+9T>G

Gene: PTH (parathyroid hormone; minus strand). Cytogenetic location: 11p15.3.
Variant type: single nucleotide variant.
Coding change: c.86+9T>G on transcript NM_000315.4 (MANE Select); 9 bases into the intron after coding-DNA position 86, T replaced by G.
Molecular consequence: intron variant.
Genome position (GRCh38, 1-based): chr11:13,492,761, A>C on the plus strand (T>G on the coding strand, the complement: PTH is on the minus strand). VCF-style: chr11-13492761-A-C. GRCh37 (hg19) VCF-style: chr11-13514308-A-C.
Other names: c.182+9T>G (NM_001316352.2).
Identifiers: ClinVar variation 303704 (VCV000303704.14), dbSNP rs75277526, ClinGen allele CA5893211.
Genomic context (GRCh38, chr11:13,492,761, plus strand): 5'-ATTAGCTCCCCACTTCGAAATGATAAAGTCAACATTAAAAATCCAATTCCAAGGCAAAAC[A>C]GTACTTACTTAACAGATTTCCCATCCGATTTTGTAAGAAAACAAATTGCCAACATGACAA-3'